The following is an entry in ClinVar:

NM_014974.3(DIP2C):c.583G>A (p.Val195Ile)

Gene: DIP2C (DIP2 acetate--CoA ligase C (putative); minus strand). Cytogenetic location: 10p15.3.
Variant type: single nucleotide variant.
Coding change: c.583G>A on transcript NM_014974.3 (MANE Select); coding-DNA position 583, G replaced by A.
Protein change: p.Val195Ile; replaces valine 195 with isoleucine.
Molecular consequence: missense variant.
Genome position (GRCh38, 1-based): chr10:422,845, C>T on the plus strand (G>A on the coding strand, the complement: DIP2C is on the minus strand). VCF-style: chr10-422845-C-T. GRCh37 (hg19) VCF-style: chr10-468785-C-T.
Other names: c.583G>A (NM_014974.2); short protein forms V195I.
Identifiers: ClinVar variation 1976685 (VCV001976685.6), dbSNP rs888425993, ClinGen allele CA201953261.

ClinVar aggregate classification (germline): Uncertain significance. Review status: criteria provided, multiple submitters, no conflicts (2 of 4 stars). 2 submissions from 2 submitters: Uncertain significance (2). Last evaluated 2024-08-21.

Conditions:
Inborn genetic diseases. Identifiers: MedGen C0950123, MeSH D030342.

Allele frequency attached by ClinVar (database versions not stated): gnomAD 0.00001; gnomAD exomes 0.00001; TOPMed 0.00001.
gnomAD v4.1: 13 of 1,612,122 alleles (0.00081%); highest among the groups gnomAD compares: African/African-American, 0.0053%; no homozygotes.

Submissions (2):

Ambry Genetics
Classification: Uncertain significance for Inborn genetic diseases. Last evaluated: 2024-08-21. Review status: criteria provided, single submitter. Criteria: Ambry Variant Classification Scheme 2023. Collection method: clinical testing. Allele origin: germline.

Labcorp Genetics (formerly Invitae), Labcorp
Classification: Uncertain significance. Last evaluated: 2022-07-24. Review status: criteria provided, single submitter. Criteria: Invitae Variant Classification Sherloc (09022015). Collection method: clinical testing. Allele origin: germline.
Comment: In summary, the available evidence is currently insufficient to determine the role of this variant in disease. Therefore, it has been classified as a Variant of Uncertain Significance. Algorithms developed to predict the effect of missense changes on protein structure and function (SIFT, PolyPhen-2, Align-GVGD) all suggest that this variant is likely to be tolerated. This variant has not been reported in the literature in individuals affected with DIP2C-related conditions. This variant is not present in population databases (gnomAD no frequency). This sequence change replaces valine, which is neutral and non-polar, with isoleucine, which is neutral and non-polar, at codon 195 of the DIP2C protein (p.Val195Ile).